The following is an entry in ClinVar:

NC_000016.10:g.(?_89814510)_(89816616_?)dup

Gene: FANCA (FA complementation group A; minus strand). Cytogenetic location: 16q24.3.
Variant type: Duplication.
Identifiers: ClinVar variation 831962 (VCV000831962.1).

ClinVar aggregate classification (germline): Uncertain significance (1 of 4 stars; one submission).

Conditions:
Fanconi anemia (FA). Also called: Fanconi's anemia. Identifiers: Orphanet 84, MedGen C0015625, MeSH D005199, MONDO:0019391.

Submission:

Labcorp Genetics (formerly Invitae), Labcorp
Classification: Uncertain significance for Fanconi anemia. Last evaluated: 2019-11-07. Review status: criteria provided, single submitter. Criteria: Invitae Variant Classification Sherloc (09022015). Collection method: clinical testing. Allele origin: germline.
Comment: This variant results in a copy number gain of the genomic region encompassing exons 1-3 of the FANCA gene. The 5' end of this event is unknown as it extends beyond the assayed region for this gene and therefore may encompass additional genes. The 3' boundary is likely confined to intron 3 of the FANCA gene. As the precise location of this event is unknown, it may be in tandem or it may be located elsewhere in the genome. This variant has not been reported in the literature in individuals with FANCA-related disease. Experimental studies are not available for this variant, and the functional significance of the duplicated exons is currently unknown. In summary, the available evidence is currently insufficient to determine the role of this variant in disease. Therefore, it has been classified as a Variant of Uncertain Significance.